The following is an entry in ClinVar:

ClinVar aggregate classification (germline): Uncertain significance. Review status: criteria provided, single submitter (1 of 4 stars). 2 submissions from 2 submitters: Uncertain significance (1). 1 of the submissions does not count toward it. Last evaluated 2025-07-29.

Conditions:
JKAMP neurodevelopmental disorder.
Neurodevelopmental disorder with seizures and impaired intellectual and language development. Identifiers: MedGen CN381014, MONDO:0981032, OMIM 621533.

Submissions (2):

Telethon Undiagnosed Diseases Program, Telethon Institute of Genetics and Medicine
Classification: Uncertain significance for JKAMP neurodevelopmental disorder. Last evaluated: 2025-07-29. Review status: criteria provided, single submitter. Criteria: ACMG Guidelines, 2015. Collection method: clinical testing. Allele origin: biparental. Inheritance: Autosomal recessive inheritance. Affected: yes. Observed: 1 homozygote.
Comment: The genomic variant c.243dup is a frameshift mutation located in the JKAMP gene. This mutation is characterized by the duplication of a single nucleotide at the cDNA position 243, which leads to a shift in the reading frame of the gene. The resultant protein product is predicted to have an altered amino acid sequence starting from lysine at position 82, followed by a premature termination codon introduced at the 16th amino acid downstream from the initial frameshift (p.Lys82GlufsTer16). This premature stop codon is likely to result in a truncated protein product or trigger nonsense-mediated mRNA decay.

OMIM
Classification: Pathogenic for NEURODEVELOPMENTAL DISORDER WITH SEIZURES AND IMPAIRED INTELLECTUAL AND LANGUAGE DEVELOPMENT. Last evaluated: 2026-03-10. Review status: no assertion criteria provided. Collection method: literature only. Allele origin: germline. Not counted in ClinVar's aggregate classification.

Literature cited by the submitters: PubMed 41643666 (cited by OMIM).

NM_016475.5(JKAMP):c.243dup (p.Lys82fs)

Genes: L3HYPDH (trans-L-3-hydroxyproline dehydratase; minus strand), JKAMP (JNK1/MAPK8 associated membrane protein; plus strand). Cytogenetic location: 14q23.1.
Variant type: Duplication.
Coding change: c.243dup on transcript NM_016475.5 (MANE Select); coding-DNA position 243, one base duplicated (G; older notation c.243dupG).
Protein change: p.Lys82fs; shifts the reading frame from lysine 82.
Molecular consequence: frameshift variant.
Genome position (GRCh38, 1-based): chr14:59,487,820, G duplicated; the last of 4 consecutive G bases (chr14:59,487,817-59,487,820); duplicating any one gives the same sequence. VCF-style (leftmost placement, unchanged base first): chr14-59487816-C-CG. GRCh37 (hg19) VCF-style: chr14-59954534-C-CG.
Other names: c.225dup, p.Lys76fs (NM_001098625.3); c.285dup, p.Lys96fs (NM_001284201.2); c.267dup, p.Lys90fs (NM_001284202.2); c.54dup, p.Lys19fs (NM_001284203.2); c.243dup, p.Lys82fs (NM_001284204.2); short protein forms K19fs, K76fs, K82fs, K90fs, K96fs.
Identifiers: ClinVar variation 4072200 (VCV004072200.2).
Genomic context (GRCh38, chr14:59,487,816, plus strand): 5'-ATCTTGGATTTATGGCAATGCTTCCTCTGGTTTTACATTGGTTCTTCATTGAATGGTACT[C>CG]GGGGAAAAAGAGGTTAGCACATTTCTATGAACATATCTGGCTGGACTAATGTTGGAATAA-3'